The following is an entry in ClinVar:

NM_000092.5(COL4A4):c.1612C>G (p.Pro538Ala)

Gene: COL4A4 (collagen type IV alpha 4 chain; minus strand). Cytogenetic location: 2q36.3.
Variant type: single nucleotide variant.
Coding change: c.1612C>G on transcript NM_000092.5 (MANE Select); coding-DNA position 1612, C replaced by G.
Protein change: p.Pro538Ala; replaces proline 538 with alanine.
Molecular consequence: missense variant.
Genome position (GRCh38, 1-based): chr2:227,088,664, G>C on the plus strand (C>G on the coding strand, the complement: COL4A4 is on the minus strand). VCF-style: chr2-227088664-G-C. GRCh37 (hg19) VCF-style: chr2-227953380-G-C.
Other names: short protein forms P538A.
Identifiers: ClinVar variation 3585875 (VCV003585875.2).
Genomic context (GRCh38, chr2:227,088,664, plus strand): 5'-AATACCATGTCTCTTTTAACTGGAAAGATGACTGGTAAGAGGTACTCACTGGTAGCCCTG[G>C]AGGTCCTTCAGCACCAGGAGGTCCTGGGTCACCTTTTGTTCCAAGCCAGCCAGGGAGCCC-3'
Protein context (NP_000083.3, residues 528-548): DPGPPGAEGP[Pro538Ala]GLPGKHGASG

ClinVar aggregate classification (germline): Uncertain significance. Review status: criteria provided, multiple submitters, no conflicts (2 of 4 stars). 2 submissions from 2 submitters: Uncertain significance (2). Last evaluated 2025-05-25.

Conditions:
Autosomal recessive Alport syndrome (ATS2). Also called: Alport syndrome type 2; COL4A3-Related Nephropathy; COL4A4 Alport Syndrome and Thin Basement Membrane Nephropathy; ALPORT SYNDROME 2, AUTOSOMAL RECESSIVE. Identifiers: Orphanet 63, Orphanet 88919, MedGen C4746745, MONDO:0008762, OMIM 203780.
Hematuria, benign familial, 1 (BFH1). Also called: THIN MEMBRANE NEPHROPATHY. Identifiers: MedGen CN376803, MONDO:0007709, OMIM 141200.

gnomAD v4.1: 1 of 1,614,108 alleles (0.000062%); highest among the groups gnomAD compares: African/African-American, 0.0013%; no homozygotes.

Submissions (2):

Labcorp Genetics (formerly Invitae), Labcorp
Classification: Uncertain significance. Last evaluated: 2025-05-25. Review status: criteria provided, single submitter. Criteria: Invitae Variant Classification Sherloc (09022015). Collection method: clinical testing. Allele origin: germline.
Comment: This sequence change replaces proline, which is neutral and non-polar, with alanine, which is neutral and non-polar, at codon 538 of the COL4A4 protein (p.Pro538Ala). This variant is not present in population databases (gnomAD no frequency). This variant has not been reported in the literature in individuals affected with COL4A4-related conditions. ClinVar contains an entry for this variant (Variation ID: 3585875). Invitae Evidence Modeling of protein sequence and biophysical properties (such as structural, functional, and spatial information, amino acid conservation, physicochemical variation, residue mobility, and thermodynamic stability) indicates that this missense variant is not expected to disrupt COL4A4 protein function with a negative predictive value of 95%. In summary, the available evidence is currently insufficient to determine the role of this variant in disease. Therefore, it has been classified as a Variant of Uncertain Significance.

Fulgent Genetics
Classification: Uncertain significance for Hematuria, benign familial, 1; Autosomal recessive Alport syndrome. Last evaluated: 2024-04-01. Review status: criteria provided, single submitter. Criteria: ACMG Guidelines, 2015. Collection method: clinical testing. Allele origin: germline.